The following is an entry in ClinVar:

ClinVar aggregate classification (germline): Conflicting classifications of pathogenicity. Review status: criteria provided, conflicting classifications (1 of 4 stars). 6 submissions from 6 submitters: Uncertain significance (4); Benign (1); Likely benign (1). Last evaluated 2025-10-25.

Conditions:
Ehlers-Danlos syndrome, classic type, 1 (EDSCL1). Also called: EHLERS-DANLOS SYNDROME, GRAVIS TYPE; EHLERS-DANLOS SYNDROME, SEVERE CLASSIC TYPE; Ehlers-Danlos Syndrome, Classic Type, COL5A1-Related; EDS I; Ehlers-Danlos syndrome, type 1. Identifiers: MedGen C0268335, MONDO:0019567, OMIM 130000.
COL5A1-related disorder. Also called: COL5A1-related condition.

Allele frequency attached by ClinVar (database versions not stated): gnomAD 0.00003 and 0.00004; TOPMed 0.00004.
gnomAD v4.1: 32 of 1,613,752 alleles (0.002%); highest among the groups gnomAD compares: African/African-American, 0.0067%; no homozygotes.

Submissions (6):

Mayo Clinic Laboratories, Mayo Clinic
Classification: Uncertain significance. Last evaluated: 2025-10-25. Review status: criteria provided, single submitter. Criteria: ACMG Guidelines, 2015. Collection method: clinical testing. Allele origin: germline. Observed: 1 variant allele.
Comment: BS4_supporting

Women's Health and Genetics/Laboratory Corporation of America, LabCorp
Classification: Likely benign. Last evaluated: 2025-05-23. Review status: criteria provided, single submitter. Criteria: LabCorp Variant Classification Summary - May 2015. Collection method: clinical testing. Allele origin: germline.
Comment: Variant summary: COL5A1 c.5311G>A (p.Asp1771Asn) results in a conservative amino acid change located in the C-terminal non-collagenous domain (IPR000885) of the encoded protein sequence. Algorithms developed to predict the effect of missense changes on protein structure and function are either unavailable or do not agree on the potential impact of this missense change. The variant allele was found at a frequency of 2e-05 in 1606756 control chromosomes (i.e. in 32 carriers), predominantly at a frequency of 6.7e-05 within the African or African-American subpopulation in the gnomAD database, which is higher than the maximum estimated for a pathogenic variant in COL5A1 causing Ehlers-Danlos Syndrome (3.1e-05). The variant, c.5311G>A, has been observed in a family in multiple individuals affected with Ehlers-Danlos Syndrome (Seidelmann_2017), however it was observed in an unaffected family member, in addition a co-occurring variant in a different gene (COL5A2) could explain the phenotype in all affected family members. To our knowledge, no experimental evidence demonstrating an impact on protein function has been reported. The following publication has been ascertained in the context of this evaluation (PMID: 28087566). ClinVar contains an entry for this variant (Variation ID: 421939). Based on the evidence outlined above, the variant was classified as likely benign.

Labcorp Genetics (formerly Invitae), Labcorp
Classification: Benign for Ehlers-Danlos syndrome, classic type, 1. Last evaluated: 2025-04-18. Review status: criteria provided, single submitter. Criteria: Invitae Variant Classification Sherloc (09022015). Collection method: clinical testing. Allele origin: germline.

PreventionGenetics, part of Exact Sciences
Classification: Uncertain significance for COL5A1-related condition. Last evaluated: 2023-04-24. Review status: criteria provided, single submitter. Criteria: ACMG Guidelines, 2015. Collection method: clinical testing. Allele origin: germline.
Comment: The COL5A1 c.5311G>A variant is predicted to result in the amino acid substitution p.Asp1771Asn. To our knowledge, this variant has not been reported in the literature. This variant is reported in 0.0050% of alleles in individuals of East Asian descent in gnomAD. At this time, the clinical significance of this variant is uncertain due to the absence of conclusive functional and genetic evidence.

GeneDx
Classification: Uncertain significance. Last evaluated: 2022-02-14. Review status: criteria provided, single submitter. Criteria: GeneDx Variant Classification Process June 2021. Collection method: clinical testing. Allele origin: germline. Affected: yes.
Comment: Has not been previously published as pathogenic or benign to our knowledge; Not observed at significant frequency in large population cohorts (gnomAD); In silico analysis supports that this missense variant has a deleterious effect on protein structure/function; Not located in the triple helical region, where the majority of pathogenic missense variants occur (Symoens et al., 2012; HGMD); This variant is associated with the following publications: (PMID: 22696272)

Baylor Genetics
Classification: Uncertain significance for Ehlers-Danlos syndrome, classic type, 1. Last evaluated: 2018-09-21. Review status: criteria provided, single submitter. Criteria: ACMG Guidelines, 2015. Collection method: clinical testing. Allele origin: paternal. Affected: yes.
Comment: This variant was determined to be of uncertain significance according to ACMG Guidelines, 2015 [PMID:25741868].

Literature cited by the submitters: PubMed 28087566 (cited by Mayo Clinic Laboratories, Mayo Clinic and Women's Health and Genetics/Laboratory Corporation of America, LabCorp).

NM_000093.5(COL5A1):c.5311G>A (p.Asp1771Asn)

Genes: COL5A1 (collagen type V alpha 1 chain; plus strand), LOC101448202 (uncharacterized LOC101448202; minus strand). Cytogenetic location: 9q34.3.
Variant type: single nucleotide variant.
Coding change: c.5311G>A on transcript NM_000093.5 (MANE Select); coding-DNA position 5311, G replaced by A.
Protein change: p.Asp1771Asn; replaces aspartic acid 1771 with asparagine.
Molecular consequence: missense variant.
Genome position (GRCh38, 1-based): chr9:134,835,145, G>A. VCF-style: chr9-134835145-G-A. GRCh37 (hg19) VCF-style: chr9-137726991-G-A.
Other names: p.Asp1771Asn; c.5311G>A, p.Asp1771Asn (NM_001278074.1); short protein forms D1771N.
Identifiers: ClinVar variation 421939 (VCV000421939.17), dbSNP rs1005244744, ClinGen allele CA16618791.
Genomic context (GRCh38, chr9:134,835,145, plus strand): 5'-GCCTGGCAGGACGCAGCCACGGGCAGCTACGACAAGGCCCTCCGCTTCCTGGGCTCCAAC[G>A]ACGAGGAGATGTCCTATGACAACAACCCCTACATCCGCGCCCTGGTGGACGGCTGTGCTG-3'
Protein context (NP_000084.3, residues 1761-1781): DKALRFLGSN[Asp1771Asn]EEMSYDNNPY